The following is an entry in ClinVar:

ClinVar aggregate classification (germline): Uncertain significance. Review status: criteria provided, multiple submitters, no conflicts (2 of 4 stars). 2 submissions from 2 submitters: Uncertain significance (2). Last evaluated 2024-02-27.

Conditions:
Osteogenesis imperfecta type I (OI1). Also called: OI, TYPE I; OSTEOGENESIS IMPERFECTA TARDA; OSTEOGENESIS IMPERFECTA WITH BLUE SCLERAE; Osteogenesis imperfecta type 1; Lobstein disease; Classic Non-deforming Osteogenesis Imperfecta with Blue Sclerae. Identifiers: Orphanet 216796, Orphanet 666, MedGen C0023931, MONDO:0008146, OMIM 166200. Disease mechanism: loss of function.
Cardiovascular phenotype. Identifiers: MedGen CN230736.

Allele frequency attached by ClinVar (database versions not stated): TOPMed below 0.00001; gnomAD exomes 0.00001 and 0.00002.

Submissions (2):

Ambry Genetics
Classification: Uncertain significance for Cardiovascular phenotype. Last evaluated: 2024-02-27. Review status: criteria provided, single submitter. Criteria: Ambry Variant Classification Scheme 2023. Collection method: clinical testing. Allele origin: germline.
Comment: The p.R8Q variant (also known as c.23G>A), located in coding exon 1 of the COL1A1 gene, results from a G to A substitution at nucleotide position 23. The arginine at codon 8 is replaced by glutamine, an amino acid with highly similar properties. This amino acid position is highly conserved in available vertebrate species. In addition, the in silico prediction for this alteration is inconclusive. Based on the available evidence, the clinical significance of this alteration remains unclear.

Labcorp Genetics (formerly Invitae), Labcorp
Classification: Uncertain significance for Osteogenesis imperfecta type I. Last evaluated: 2023-08-11. Review status: criteria provided, single submitter. Criteria: Invitae Variant Classification Sherloc (09022015). Collection method: clinical testing. Allele origin: germline.
Comment: In summary, the available evidence is currently insufficient to determine the role of this variant in disease. Therefore, it has been classified as a Variant of Uncertain Significance. Advanced modeling of protein sequence and biophysical properties (such as structural, functional, and spatial information, amino acid conservation, physicochemical variation, residue mobility, and thermodynamic stability) has been performed at Invitae for this missense variant, however the output from this modeling did not meet the statistical confidence thresholds required to predict the impact of this variant on COL1A1 protein function. ClinVar contains an entry for this variant (Variation ID: 950144). This variant has not been reported in the literature in individuals affected with COL1A1-related conditions. The frequency data for this variant in the population databases is considered unreliable, as metrics indicate poor data quality at this position in the gnomAD database. This sequence change replaces arginine, which is basic and polar, with glutamine, which is neutral and polar, at codon 8 of the COL1A1 protein (p.Arg8Gln).

NM_000088.4(COL1A1):c.23G>A (p.Arg8Gln)

Gene: COL1A1 (collagen type I alpha 1 chain; minus strand). Cytogenetic location: 17q21.33.
Variant type: single nucleotide variant.
Coding change: c.23G>A on transcript NM_000088.4 (MANE Select); coding-DNA position 23, G replaced by A.
Protein change: p.Arg8Gln; replaces arginine 8 with glutamine.
Molecular consequence: missense variant.
Genome position (GRCh38, 1-based): chr17:50,201,491, C>T on the plus strand (G>A on the coding strand, the complement: COL1A1 is on the minus strand). VCF-style: chr17-50201491-C-T. GRCh37 (hg19) VCF-style: chr17-48278852-C-T.
Other names: short protein forms R8Q.
Identifiers: ClinVar variation 950144 (VCV000950144.11), dbSNP rs1196007286, ClinGen allele CA400230480.